The following is an entry in ClinVar:

NM_080732.4(EGLN2):c.962A>T (p.Lys321Met)

Genes: EGLN2 (egl-9 family hypoxia inducible factor 2; plus strand), RAB4B-EGLN2 (RAB4B-EGLN2 readthrough (NMD candidate); plus strand). Cytogenetic location: 19q13.2.
Variant type: single nucleotide variant.
Coding change: c.962A>T on transcript NM_080732.4 (MANE Select); coding-DNA position 962, A replaced by T.
Protein change: p.Lys321Met; replaces lysine 321 with methionine.
Molecular consequence: missense variant. On other transcripts: non-coding transcript variant (1).
Genome position (GRCh38, 1-based): chr19:40,806,673, A>T. VCF-style: chr19-40806673-A-T. GRCh37 (hg19) VCF-style: chr19-41312578-A-T.
Other names: c.962A>T, p.Lys321Met (NM_053046.4); short protein forms K321M.
Identifiers: ClinVar variation 1767606 (VCV001767606.2), dbSNP rs2516006623, ClinGen allele CA405956371.

ClinVar aggregate classification (germline): Uncertain significance (1 of 4 stars; one submission).

Submission:

Ambry Genetics
Classification: Uncertain significance. Last evaluated: 2021-12-03. Review status: criteria provided, single submitter. Criteria: Ambry Variant Classification Scheme 2023. Collection method: clinical testing. Allele origin: germline.
Comment: The p.K321M variant (also known as c.962A>T), located in coding exon 2 of the EGLN2 gene, results from an A to T substitution at nucleotide position 962. The lysine at codon 321 is replaced by methionine, an amino acid with similar properties. This amino acid position is conserved. In addition, the in silico prediction for this alteration is inconclusive. Since supporting evidence is limited at this time, the clinical significance of this alteration remains unclear.